The following is an entry in ClinVar:

NM_014141.6(CNTNAP2):c.401G>A (p.Trp134Ter)

Gene: CNTNAP2 (contactin associated protein 2; plus strand). Cytogenetic location: 7q35.
Variant type: single nucleotide variant.
Coding change: c.401G>A on transcript NM_014141.6 (MANE Select); coding-DNA position 401, G replaced by A.
Protein change: p.Trp134Ter; replaces tryptophan 134 with a stop codon.
Molecular consequence: nonsense.
Genome position (GRCh38, 1-based): chr7:146,839,903, G>A. VCF-style: chr7-146839903-G-A. GRCh37 (hg19) VCF-style: chr7-146536995-G-A.
Other names: short protein forms W134*.
Identifiers: ClinVar variation 1371355 (VCV001371355.6), dbSNP rs1458942108, ClinGen allele CA369922889.

ClinVar aggregate classification (germline): Pathogenic (1 of 4 stars; one submission).

Conditions:
Cortical dysplasia-focal epilepsy syndrome (PTHSL1). Also called: Pitt-Hopkins-like syndrome 1. Identifiers: Orphanet 163681, Orphanet 221150, MedGen C2750246, MONDO:0012400, OMIM 610042.

Submission:

Labcorp Genetics (formerly Invitae), Labcorp
Classification: Pathogenic for Cortical dysplasia-focal epilepsy syndrome. Last evaluated: 2023-05-22. Review status: criteria provided, single submitter. Criteria: Invitae Variant Classification Sherloc (09022015). Collection method: clinical testing. Allele origin: germline.
Comment: For these reasons, this variant has been classified as Pathogenic. ClinVar contains an entry for this variant (Variation ID: 1371355). This variant has not been reported in the literature in individuals affected with CNTNAP2-related conditions. This variant is not present in population databases (gnomAD no frequency). This sequence change creates a premature translational stop signal (p.Trp134*) in the CNTNAP2 gene. It is expected to result in an absent or disrupted protein product. Loss-of-function variants in CNTNAP2 are known to be pathogenic (PMID: 19896112, 21827697, 25045150, 26843181, 27439707).

Literature cited by the submitters: PubMed 19896112; PubMed 21827697; PubMed 25045150; PubMed 26843181; PubMed 27439707.